The following is an entry in ClinVar:

ClinVar aggregate classification (germline): Uncertain significance (1 of 4 stars; one submission).

Submission:

Ambry Genetics
Classification: Uncertain significance. Last evaluated: 2021-07-18. Review status: criteria provided, single submitter. Criteria: Ambry Variant Classification Scheme 2023. Collection method: clinical testing. Allele origin: germline.
Comment: The p.D1105G variant (also known as c.3314A>G), located in coding exon 2 of the MLH3 gene, results from an A to G substitution at nucleotide position 3314. The aspartic acid at codon 1105 is replaced by glycine, an amino acid with similar properties. This amino acid position is conserved. In addition, the in silico prediction for this alteration is inconclusive. Since supporting evidence is limited at this time, the clinical significance of this alteration remains unclear.

NM_001040108.2(MLH3):c.3314A>G (p.Asp1105Gly)

Gene: MLH3 (mutL homolog 3; minus strand). Cytogenetic location: 14q24.3.
Variant type: single nucleotide variant.
Coding change: c.3314A>G on transcript NM_001040108.2 (MANE Select); coding-DNA position 3314, A replaced by G.
Protein change: p.Asp1105Gly; replaces aspartic acid 1105 with glycine.
Molecular consequence: missense variant.
Genome position (GRCh38, 1-based): chr14:75,042,444, T>C on the plus strand (A>G on the coding strand, the complement: MLH3 is on the minus strand). VCF-style: chr14-75042444-T-C. GRCh37 (hg19) VCF-style: chr14-75509147-T-C.
Other names: c.3314A>G, p.Asp1105Gly (NM_014381.3); short protein forms D1105G.
Identifiers: ClinVar variation 1730116 (VCV001730116.2), dbSNP rs763578019, ClinGen allele CA390431941.